The following is an entry in ClinVar:

NM_005989.4(AKR1D1):c.*1219C>T

Gene: AKR1D1 (aldo-keto reductase family 1 member D1; plus strand). Cytogenetic location: 7q33.
Variant type: single nucleotide variant.
Coding change: c.*1219C>T on transcript NM_005989.4 (MANE Select); 1219 bases downstream of the stop codon, C replaced by T.
Molecular consequence: 3 prime UTR variant.
Genome position (GRCh38, 1-based): chr7:138,117,881, C>T. VCF-style: chr7-138117881-C-T. GRCh37 (hg19) VCF-style: chr7-137802627-C-T.
Other names: c.*1219C>T (NM_001190906.2); c.*1244C>T (NM_001190907.2).
Identifiers: ClinVar variation 358986 (VCV000358986.5), dbSNP rs565111801, ClinGen allele CA10628327.

ClinVar aggregate classification (germline): Likely benign (1 of 4 stars; one submission).

Conditions:
Congenital bile acid synthesis defect 2 (CBAS2). Also called: CHOLESTASIS WITH DELTA(4)-3-OXOSTEROID 5-BETA-REDUCTASE DEFICIENCY. Identifiers: Orphanet 79303, MedGen C1856127, MONDO:0009339, OMIM 235555.

Allele frequency attached by ClinVar (database versions not stated): 1000 Genomes Project 30x 0.00141; gnomAD 0.00152 and 0.00161; TOPMed 0.00152; 1000 Genomes Project 0.00160.

Submission:

Illumina Laboratory Services, Illumina
Classification: Likely benign for Congenital bile acid synthesis defect 2. Last evaluated: 2018-01-12. Review status: criteria provided, single submitter. Criteria: ICSL Variant Classification Criteria 13 December 2019. Collection method: clinical testing. Allele origin: germline.
Comment: This variant was observed in the ICSL laboratory as part of a predisposition screen in an ostensibly healthy population. It had not been previously curated by ICSL or reported in the Human Gene Mutation Database (HGMD: prior to June 1st, 2018), and was therefore a candidate for classification through an automated scoring system. Utilizing variant allele frequency, disease prevalence and penetrance estimates, and inheritance mode, an automated score was calculated to assess if this variant is too frequent to cause the disease. Based on the score and internal cut-off values, a variant classified as likely benign is not then subjected to further curation. The score for this variant resulted in a classification of likely benign for this disease.